The following is an entry in ClinVar:

ClinVar aggregate classification (germline): Uncertain significance. Review status: criteria provided, single submitter (1 of 4 stars). 2 submissions from 2 submitters: Uncertain significance (1). 1 of the submissions does not count toward it. Last evaluated 2021-08-24.

Conditions:
Carnitine palmitoyltransferase II deficiency. Also called: Carnitine Palmitoyltransferase 2 Deficiency. Identifiers: Orphanet 157, MedGen C0342790, MONDO:0015515.

Allele frequency attached by ClinVar (database versions not stated): gnomAD exomes below 0.00001; TOPMed below 0.00001; gnomAD 0.00001.
gnomAD v4.1: 2 of 1,614,114 alleles (0.00012%); highest among the groups gnomAD compares: Non-Finnish European, 0.000085%; no homozygotes.

Submissions (2):

Labcorp Genetics (formerly Invitae), Labcorp
Classification: Uncertain significance for Carnitine palmitoyltransferase II deficiency. Last evaluated: 2021-08-24. Review status: criteria provided, single submitter. Criteria: Invitae Variant Classification Sherloc (09022015). Collection method: clinical testing. Allele origin: germline.
Comment: This sequence change replaces asparagine with serine at codon 624 of the CPT2 protein (p.Asn624Ser). The asparagine residue is moderately conserved and there is a small physicochemical difference between asparagine and serine. This variant is not present in population databases (ExAC no frequency). This variant has not been reported in the literature in individuals affected with CPT2-related conditions. Advanced modeling of protein sequence and biophysical properties (such as structural, functional, and spatial information, amino acid conservation, physicochemical variation, residue mobility, and thermodynamic stability) performed at Invitae indicates that this missense variant is not expected to disrupt CPT2 protein function. In summary, the available evidence is currently insufficient to determine the role of this variant in disease. Therefore, it has been classified as a Variant of Uncertain Significance.

Natera, Inc.
Classification: Uncertain significance for Carnitine palmitoyltransferase II deficiency. Last evaluated: 2021-03-17. Review status: no assertion criteria provided. Collection method: clinical testing. Allele origin: germline. Not counted in ClinVar's aggregate classification.

NM_000098.3(CPT2):c.1871A>G (p.Asn624Ser)

Gene: CPT2 (carnitine palmitoyltransferase 2; plus strand). Cytogenetic location: 1p32.3.
Variant type: single nucleotide variant.
Coding change: c.1871A>G on transcript NM_000098.3 (MANE Select); coding-DNA position 1871, A replaced by G.
Protein change: p.Asn624Ser; replaces asparagine 624 with serine.
Molecular consequence: missense variant.
Genome position (GRCh38, 1-based): chr1:53,213,489, A>G. VCF-style: chr1-53213489-A-G. GRCh37 (hg19) VCF-style: chr1-53679161-A-G.
Other names: c.1802A>G, p.Asn601Ser (NM_001330589.2); short protein forms N601S, N624S.
Identifiers: ClinVar variation 1035705 (VCV001035705.9), dbSNP rs1268248169, ClinGen allele CA340397830.